The following is an entry in ClinVar:

ClinVar aggregate classification (germline): Uncertain significance. Review status: criteria provided, multiple submitters, no conflicts (2 of 4 stars). 3 submissions from 3 submitters: Uncertain significance (2). 1 of the submissions does not count toward it. Last evaluated 2021-12-24.

Conditions:
Cardiovascular phenotype. Identifiers: MedGen CN230736.
Alstrom syndrome (ALMS). Identifiers: Orphanet 64, MedGen C0268425, MONDO:0008763, OMIM 203800.

Allele frequency attached by ClinVar (database versions not stated): TOPMed 0.00002; ESP Exome Variant Server 0.00008.
gnomAD v4.1: 7 of 1,613,978 alleles (0.00043%); highest among the groups gnomAD compares: Middle Eastern, 0.016%; no homozygotes.

Submissions (3):

Labcorp Genetics (formerly Invitae), Labcorp
Classification: Uncertain significance for Alstrom syndrome. Last evaluated: 2021-12-24. Review status: criteria provided, single submitter. Criteria: Invitae Variant Classification Sherloc (09022015). Collection method: clinical testing. Allele origin: germline.
Comment: This sequence change replaces threonine, which is neutral and polar, with asparagine, which is neutral and polar, at codon 2399 of the ALMS1 protein (p.Thr2399Asn). This variant is not present in population databases (gnomAD no frequency). This variant has not been reported in the literature in individuals affected with ALMS1-related conditions. ClinVar contains an entry for this variant (Variation ID: 556826). Experimental studies and prediction algorithms are not available or were not evaluated, and the functional significance of this variant is currently unknown. In summary, the available evidence is currently insufficient to determine the role of this variant in disease. Therefore, it has been classified as a Variant of Uncertain Significance.

Ambry Genetics
Classification: Uncertain significance for Cardiovascular phenotype. Last evaluated: 2021-05-11. Review status: criteria provided, single submitter. Criteria: Ambry Variant Classification Scheme 2023. Collection method: clinical testing. Allele origin: germline.
Comment: The p.T2399N variant (also known as c.7196C>A), located in coding exon 8 of the ALMS1 gene, results from a C to A substitution at nucleotide position 7196. The threonine at codon 2399 is replaced by asparagine, an amino acid with similar properties. This amino acid position is not well conserved in available vertebrate species. In addition, this alteration is predicted to be tolerated by in silico analysis. Since supporting evidence is limited at this time, the clinical significance of this alteration remains unclear.

Counsyl
Classification: Uncertain significance for Alstrom syndrome. Last evaluated: 2018-02-21. Review status: no assertion criteria provided. Collection method: clinical testing. Allele origin: unknown. Not counted in ClinVar's aggregate classification.

NM_001378454.1(ALMS1):c.7193C>A (p.Thr2398Asn)

Gene: ALMS1 (ALMS1 centrosome and basal body associated protein; plus strand). Cytogenetic location: 2p13.1.
Variant type: single nucleotide variant.
Coding change: c.7193C>A on transcript NM_001378454.1 (MANE Select); coding-DNA position 7193, C replaced by A.
Protein change: p.Thr2398Asn; replaces threonine 2398 with asparagine.
Molecular consequence: missense variant.
Genome position (GRCh38, 1-based): chr2:73,453,720, C>A. VCF-style: chr2-73453720-C-A. GRCh37 (hg19) VCF-style: chr2-73680847-C-A.
Other names: c.7196C>A, p.Thr2399Asn (NM_015120.4); short protein forms T2399N, T2398N.
Identifiers: ClinVar variation 556826 (VCV000556826.6), dbSNP rs200470452, ClinGen allele CA1714194.
Genomic context (GRCh38, chr2:73,453,720, plus strand): 5'-TTAGGCAATATCAAGCAGCCAAATCTGTAATGAGGTCTGAACCTGAAGGGTGTAGTGGAA[C>A]CATTGGGAATAAAATTATTATCCCTATGATGACTGTCATAAAAAGTGATTCAAGTAGTGA-3'
Protein context (NP_001365383.1, residues 2388-2408): MRSEPEGCSG[Thr2398Asn]IGNKIIIPMM